The following is an entry in ClinVar:

ClinVar aggregate classification (germline): Uncertain significance (1 of 4 stars; one submission).

Conditions:
Multiple endocrine neoplasia type 4. Also called: MULTIPLE ENDOCRINE NEOPLASIA, TYPE IV. Identifiers: Orphanet 276152, MedGen C1970712, MONDO:0012552, OMIM 610755.

Submission:

Labcorp Genetics (formerly Invitae), Labcorp
Classification: Uncertain significance for Multiple endocrine neoplasia type 4. Last evaluated: 2022-11-29. Review status: criteria provided, single submitter. Criteria: Invitae Variant Classification Sherloc (09022015). Collection method: clinical testing. Allele origin: germline.
Comment: In summary, the available evidence is currently insufficient to determine the role of this variant in disease. Therefore, it has been classified as a Variant of Uncertain Significance. Algorithms developed to predict the effect of missense changes on protein structure and function output the following: SIFT: "Deleterious"; PolyPhen-2: "Benign"; Align-GVGD: "Class C0". The isoleucine amino acid residue is found in multiple mammalian species, which suggests that this missense change does not adversely affect protein function. This variant has not been reported in the literature in individuals affected with CDKN1B-related conditions. This variant is not present in population databases (gnomAD no frequency). This sequence change replaces methionine, which is neutral and non-polar, with isoleucine, which is neutral and non-polar, at codon 52 of the CDKN1B protein (p.Met52Ile).

NM_004064.5(CDKN1B):c.156G>T (p.Met52Ile)

Gene: CDKN1B (cyclin dependent kinase inhibitor 1B; plus strand). Cytogenetic location: 12p13.1.
Variant type: single nucleotide variant.
Coding change: c.156G>T on transcript NM_004064.5 (MANE Select); coding-DNA position 156, G replaced by T.
Protein change: p.Met52Ile; replaces methionine 52 with isoleucine.
Molecular consequence: missense variant.
Genome position (GRCh38, 1-based): chr12:12,717,995, G>T. VCF-style: chr12-12717995-G-T. GRCh37 (hg19) VCF-style: chr12-12870929-G-T.
Other names: short protein forms M52I.
Identifiers: ClinVar variation 2817479 (VCV002817479.3), dbSNP rs2497404331, ClinGen allele CA383969037.
Genomic context (GRCh38, chr12:12,717,995, plus strand): 5'-CTTCGGCCCGGTGGACCACGAAGAGTTAACCCGGGACTTGGAGAAGCACTGCAGAGACAT[G>T]GAAGAGGCGAGCCAGCGCAAGTGGAATTTCGATTTTCAGAATCACAAACCCCTAGAGGGC-3'
Protein context (NP_004055.1, residues 42-62): TRDLEKHCRD[Met52Ile]EEASQRKWNF